The following is an entry in ClinVar:

NM_172201.2(KCNE2):c.23C>T (p.Thr8Ile)

Genes: KCNE2 (potassium voltage-gated channel subfamily E regulatory subunit 2; plus strand), LOC105372791 (uncharacterized LOC105372791; minus strand). Cytogenetic location: 21q22.11.
Variant type: single nucleotide variant.
Coding change: c.23C>T on transcript NM_172201.2 (MANE Select); coding-DNA position 23, C replaced by T.
Protein change: p.Thr8Ile; replaces threonine 8 with isoleucine.
Molecular consequence: missense variant.
Genome position (GRCh38, 1-based): chr21:34,370,501, C>T. VCF-style: chr21-34370501-C-T. GRCh37 (hg19) VCF-style: chr21-35742800-C-T.
Other names: short protein forms T8I.
Identifiers: ClinVar variation 1790707 (VCV001790707.5), dbSNP rs35759083, ClinGen allele CA10013386.
Genomic context (GRCh38, chr21:34,370,501, plus strand): 5'-CGCCTATTTTATTATTTAAATTGCAGCAGGAGGGAAGCATGTCTACTTTATCCAATTTCA[C>T]ACAGACGCTGGAAGACGTCTTCCGAAGGATTTTTATTACTTATATGGACAATTGGCGCCA-3'
Protein context (NP_751951.1, residues 1-18): MSTLSNF[Thr8Ile]QTLEDVFRRI

ClinVar aggregate classification (germline): Uncertain significance. Review status: criteria provided, multiple submitters, no conflicts (2 of 4 stars). 2 submissions from 2 submitters: Uncertain significance (2). Last evaluated 2026-04-27.

Conditions:
Cardiovascular phenotype. Identifiers: MedGen CN230736.
KCNE2-related disorder. Also called: KCNE2-Related Disorders; KCNE2-related condition. Identifiers: MedGen CN239320.

Allele frequency attached by ClinVar (database versions not stated): gnomAD 0.00001; gnomAD exomes 0.00001; ExAC 0.00002; TOPMed 0.00002.
gnomAD v4.1: 5 of 1,614,072 alleles (0.00031%); highest among the groups gnomAD compares: African/African-American, 0.0053%; no homozygotes.

Submissions (2):

PreventionGenetics, part of Exact Sciences
Classification: Uncertain significance for KCNE2-related condition. Last evaluated: 2026-04-27. Review status: criteria provided, single submitter. Criteria: ACMG Guidelines, 2015. Collection method: clinical testing. Allele origin: germline.
Comment: The KCNE2 c.23C>T variant is predicted to result in the amino acid substitution p.Thr8Ile. To our knowledge, this variant has not been reported in the literature in individuals with KCNE2-related disorders. This variant is reported in 0.012% of alleles in individuals of African descent in gnomAD. At this time, the clinical significance of this variant is uncertain due to the absence of conclusive functional and genetic evidence.

Ambry Genetics
Classification: Uncertain significance for Cardiovascular phenotype. Last evaluated: 2025-08-30. Review status: criteria provided, single submitter. Criteria: Ambry Variant Classification Scheme 2023. Collection method: clinical testing. Allele origin: germline.
Comment: The p.T8I variant (also known as c.23C>T), located in coding exon 1 of the KCNE2 gene, results from a C to T substitution at nucleotide position 23. The threonine at codon 8 is replaced by isoleucine, an amino acid with similar properties. This amino acid position is highly conserved in available vertebrate species. In addition, this alteration is predicted to be deleterious by in silico analysis. The evidence for this gene-disease relationship is limited; therefore, the clinical significance of this alteration is unclear.